The following is an entry in ClinVar:

NM_133433.4(NIPBL):c.5225+2T>G

Gene: NIPBL (NIPBL cohesin loading factor; plus strand). Cytogenetic location: 5p13.2.
Variant type: single nucleotide variant.
Coding change: c.5225+2T>G on transcript NM_133433.4 (MANE Select); the canonical splice donor site of the intron after coding-DNA position 5225, T replaced by G.
Molecular consequence: splice donor variant.
Genome position (GRCh38, 1-based): chr5:37,020,675, T>G. VCF-style: chr5-37020675-T-G. GRCh37 (hg19) VCF-style: chr5-37020777-T-G.
Other names: c.5225+2T>G (NM_015384.5).
Identifiers: ClinVar variation 2758654 (VCV002758654.3), dbSNP rs2478318371, ClinGen allele CA359487613.

ClinVar aggregate classification (germline): Likely pathogenic (1 of 4 stars; one submission).

Conditions:
Cornelia de Lange syndrome 1 (CDLS1). Also called: TYPUS DEGENERATIVUS AMSTELODAMENSIS; Brachmann de Lange syndrome; NIPBL-Related Cornelia de Lange Syndrome. Identifiers: Orphanet 199, MedGen C4551851, MONDO:0007387, OMIM 122470.

Submission:

Labcorp Genetics (formerly Invitae), Labcorp
Classification: Likely pathogenic for Cornelia de Lange syndrome 1. Last evaluated: 2023-06-03. Review status: criteria provided, single submitter. Criteria: Invitae Variant Classification Sherloc (09022015). Collection method: clinical testing. Allele origin: germline.
Comment: In summary, the currently available evidence indicates that the variant is pathogenic, but additional data are needed to prove that conclusively. Therefore, this variant has been classified as Likely Pathogenic. Algorithms developed to predict the effect of sequence changes on RNA splicing suggest that this variant may disrupt the consensus splice site. This variant has not been reported in the literature in individuals affected with NIPBL-related conditions. This variant is not present in population databases (gnomAD no frequency). This sequence change affects a donor splice site in intron 26 of the NIPBL gene. It is expected to disrupt RNA splicing. Variants that disrupt the donor or acceptor splice site typically lead to a loss of protein function (PMID: 16199547), and loss-of-function variants in NIPBL are known to be pathogenic (PMID: 15318302, 19763162, 23505322, 29995837).

Literature cited by the submitters: PubMed 16199547; PubMed 15318302; PubMed 19763162; PubMed 23505322; PubMed 29995837.